The following is an entry in ClinVar:

NM_172107.4(KCNQ2):c.961C>T (p.Gln321Ter)

Gene: KCNQ2 (potassium voltage-gated channel subfamily Q member 2; minus strand). Cytogenetic location: 20q13.33.
Variant type: single nucleotide variant.
Coding change: c.961C>T on transcript NM_172107.4 (MANE Select); coding-DNA position 961, C replaced by T.
Protein change: p.Gln321Ter; replaces glutamine 321 with a stop codon.
Molecular consequence: nonsense.
Genome position (GRCh38, 1-based): chr20:63,438,687, G>A on the plus strand (C>T on the coding strand, the complement: KCNQ2 is on the minus strand). VCF-style: chr20-63438687-G-A. GRCh37 (hg19) VCF-style: chr20-62070040-G-A.
Other names: c.961C>T, p.Gln321Ter (NM_001382235.1, NM_001439003.1, NM_001439004.1 and 4 more transcripts); short protein forms Q321*.
Identifiers: ClinVar variation 4533319 (VCV004533319.1).
Genomic context (GRCh38, chr20:63,438,687, plus strand): 5'-GGATCAGGCCTGCTGCCGGGTTCCGCCTCTTCTCAAAGTGCTTCTGCCTGTGCTGCTCCT[G>A]AACCTTCAGGGCAAACCCAGACCCCAAGATGCCCTGCAATTCATCAGGGTCAGGTCACAC-3'

ClinVar aggregate classification (germline): Pathogenic (1 of 4 stars; one submission).

Conditions:
Seizures, benign familial neonatal, 1. Also called: Benign Neonatal Epilepsy 1; KCNQ2-Related Self-Limited Familial Neonatal Epilepsy (SLFNE); KCNQ2-Related Benign Familial Neonatal Epilepsy; Seizures, benign neonatal, 1. Identifiers: Orphanet 1949, MedGen C3149074, MONDO:0007365, OMIM 121200.

Submission:

Institute of Human Genetics, University of Leipzig Medical Center
Classification: Pathogenic for Seizures, benign familial neonatal, 1. Last evaluated: 2025-11-17. Review status: criteria provided, single submitter. Criteria: ACMG Guidelines, 2015. Collection method: clinical testing. Allele origin: unknown. Inheritance: Autosomal dominant inheritance. Affected: yes.
Comment: Criteria applied: PVS1,PM2